The following is an entry in ClinVar:

ClinVar aggregate classification (germline): Likely pathogenic. Review status: criteria provided, multiple submitters, no conflicts (2 of 4 stars). 3 submissions from 3 submitters: Likely pathogenic (3). Last evaluated 2025-01-17.

Conditions:
Familial cancer of breast. Also called: hereditary breast carcinoma; BREAST CANCER, FAMILIAL; Hereditary breast cancer. Identifiers: Orphanet 227535, MedGen C0346153, MONDO:0016419, OMIM 114480. Disease mechanism: loss of function.
Fanconi anemia complementation group J. Also called: BRIP1-Related Fanconi Anemia. Identifiers: Orphanet 84, MedGen C1836860, MONDO:0012187, OMIM 609054.

Submissions (3):

Labcorp Genetics (formerly Invitae), Labcorp
Classification: Likely pathogenic for Familial cancer of breast; Fanconi anemia complementation group J. Last evaluated: 2025-01-17. Review status: criteria provided, single submitter. Criteria: Invitae Variant Classification Sherloc (09022015). Collection method: clinical testing. Allele origin: germline.
Comment: This sequence change affects an acceptor splice site in intron 18 of the BRIP1 gene. It is expected to disrupt RNA splicing. Variants that disrupt the donor or acceptor splice site typically lead to a loss of protein function (PMID: 16199547), and loss-of-function variants in BRIP1 are known to be pathogenic (PMID: 16116423, 17033622, 21964575). This variant is not present in population databases (gnomAD no frequency). This variant has not been reported in the literature in individuals affected with BRIP1-related conditions. ClinVar contains an entry for this variant (Variation ID: 936533). Algorithms developed to predict the effect of sequence changes on RNA splicing suggest that this variant may disrupt the consensus splice site. In summary, the currently available evidence indicates that the variant is pathogenic, but additional data are needed to prove that conclusively. Therefore, this variant has been classified as Likely Pathogenic.

Myriad Genetics, Inc.
Classification: Likely pathogenic for Familial cancer of breast. Last evaluated: 2023-06-07. Review status: criteria provided, single submitter. Criteria: Myriad Autosomal Dominant, Autosomal Recessive and X-Linked Classification Criteria (2023). Collection method: clinical testing. Allele origin: unknown.
Comment: This variant is considered likely pathogenic. This variant occurs within a consensus splice junction and is predicted to result in abnormal mRNA splicing of either an out-of-frame exon or an in-frame exon necessary for protein stability and/or normal function.

GeneDx
Classification: Likely pathogenic. Last evaluated: 2021-05-17. Review status: criteria provided, single submitter. Criteria: GeneDx Variant Classification Process June 2021. Collection method: clinical testing. Allele origin: germline. Affected: yes.
Comment: Canonical splice site variant predicted to result in an in-frame deletion of the adjacent exon, which would disrupt the critical BRCA1 binding domain (Cantor 2001); Not observed in large population cohorts (Lek 2016); Has not been previously published as pathogenic or benign to our knowledge

Literature cited by the submitters: PubMed 16199547 (cited by Labcorp Genetics (formerly Invitae), Labcorp); PubMed 16116423 (cited by Labcorp Genetics (formerly Invitae), Labcorp); PubMed 17033622 (cited by Labcorp Genetics (formerly Invitae), Labcorp); PubMed 21964575 (cited by Labcorp Genetics (formerly Invitae), Labcorp).

NM_032043.3(BRIP1):c.2576-1G>T

Gene: BRIP1 (BRCA1 interacting DNA helicase 1; minus strand). Cytogenetic location: 17q23.2.
Variant type: single nucleotide variant.
Coding change: c.2576-1G>T on transcript NM_032043.3 (MANE Select); the canonical splice acceptor site of the intron before coding-DNA position 2576, G replaced by T.
Molecular consequence: splice acceptor variant.
Genome position (GRCh38, 1-based): chr17:61,686,166, C>A on the plus strand (G>T on the coding strand, the complement: BRIP1 is on the minus strand). VCF-style: chr17-61686166-C-A. GRCh37 (hg19) VCF-style: chr17-59763527-C-A.
Identifiers: ClinVar variation 936533 (VCV000936533.13), dbSNP rs587782539, ClinGen allele CA400482018.
Genomic context (GRCh38, chr17:61,686,166, plus strand): 5'-CCAGTGCACTTTCAAAGGTTGAATGGTGCTGAATCTGCTGCCGTACCCATTTAGAAAGTC[C>A]TAAAGAAAAAGGTAAACCCAGGGAAAATTTGGTTACTTAGTTATTAAAATATTACATGCT-3'